The following is an entry in ClinVar:

NM_000384.3(APOB):c.10292C>A (p.Ala3431Asp)

Gene: APOB (apolipoprotein B; minus strand). Cytogenetic location: 2p24.1.
Variant type: single nucleotide variant.
Coding change: c.10292C>A on transcript NM_000384.3 (MANE Select); coding-DNA position 10292, C replaced by A.
Protein change: p.Ala3431Asp; replaces alanine 3431 with aspartic acid.
Molecular consequence: missense variant.
Genome position (GRCh38, 1-based): chr2:21,006,576, G>T on the plus strand (C>A on the coding strand, the complement: APOB is on the minus strand). VCF-style: chr2-21006576-G-T. GRCh37 (hg19) VCF-style: chr2-21229448-G-T.
Other names: short protein forms A3431D.
Identifiers: ClinVar variation 1330117 (VCV001330117.3), dbSNP rs2103352011, ClinGen allele CA345986855.

ClinVar aggregate classification (germline): Uncertain significance. Review status: criteria provided, multiple submitters, no conflicts (2 of 4 stars). 2 submissions from 2 submitters: Uncertain significance (2). Last evaluated 2021-04-27.

Conditions:
Cardiovascular phenotype. Identifiers: MedGen CN230736.

Submissions (2):

Quest Diagnostics Nichols Institute San Juan Capistrano
Classification: Uncertain significance. Last evaluated: 2021-04-27. Review status: criteria provided, single submitter. Criteria: Quest Diagnostics criteria. Collection method: clinical testing. Allele origin: unknown.

Ambry Genetics
Classification: Uncertain significance for Cardiovascular phenotype. Last evaluated: 2021-03-17. Review status: criteria provided, single submitter. Criteria: Ambry Variant Classification Scheme 2023. Collection method: clinical testing. Allele origin: germline.
Comment: The p.A3431D variant (also known as c.10292C>A), located in coding exon 26 of the APOB gene, results from a C to A substitution at nucleotide position 10292. The alanine at codon 3431 is replaced by aspartic acid, an amino acid with dissimilar properties. This amino acid position is poorly conserved in available vertebrate species. In addition, this alteration is predicted to be tolerated by in silico analysis. Since supporting evidence is limited at this time, the clinical significance of this alteration remains unclear.